The following is an entry in ClinVar:

NM_000245.4(MET):c.236A>C (p.Gln79Pro)

Gene: MET (MET proto-oncogene, receptor tyrosine kinase; plus strand). Cytogenetic location: 7q31.2.
Variant type: single nucleotide variant.
Coding change: c.236A>C on transcript NM_000245.4 (MANE Select); coding-DNA position 236, A replaced by C.
Protein change: p.Gln79Pro; replaces glutamine 79 with proline.
Molecular consequence: missense variant. On other transcripts: intron variant (1).
Genome position (GRCh38, 1-based): chr7:116,699,320, A>C. VCF-style: chr7-116699320-A-C. GRCh37 (hg19) VCF-style: chr7-116339374-A-C.
Other names: c.236A>C, p.Gln79Pro (NM_001127500.3, NM_001324401.3); c.-91+26743A>C (NM_001324402.2); short protein forms Q79P.
Identifiers: ClinVar variation 2587477 (VCV002587477.2), dbSNP rs1562883214, ClinGen allele CA368968630.
Genomic context (GRCh38, chr7:116,699,320, plus strand): 5'-AGCATCACATTTTCCTTGGTGCCACTAACTACATTTATGTTTTAAATGAGGAAGACCTTC[A>C]GAAGGTTGCTGAGTACAAGACTGGGCCTGTGCTGGAACACCCAGATTGTTTCCCATGTCA-3'
Protein context (NP_000236.2, residues 69-89): YIYVLNEEDL[Gln79Pro]KVAEYKTGPV

ClinVar aggregate classification (germline): Uncertain significance (1 of 4 stars; one submission).

Conditions:
Hereditary cancer-predisposing syndrome. Also called: Tumor predisposition; Hereditary Cancer Syndrome; Hereditary neoplastic syndrome; Neoplastic Syndromes, Hereditary. Identifiers: Orphanet 140162, MedGen C0027672, MeSH D009386, MONDO:0015356.

Submission:

Ambry Genetics
Classification: Uncertain significance for Hereditary cancer-predisposing syndrome. Last evaluated: 2023-07-21. Review status: criteria provided, single submitter. Criteria: Ambry Variant Classification Scheme 2023. Collection method: clinical testing. Allele origin: germline.
Comment: The p.Q79P variant (also known as c.236A>C), located in coding exon 1 of the MET gene, results from an A to C substitution at nucleotide position 236. The glutamine at codon 79 is replaced by proline, an amino acid with similar properties. This amino acid position is not well conserved in available vertebrate species. In addition, this alteration is predicted to be tolerated by in silico analysis. Since supporting evidence is limited at this time, the clinical significance of this alteration remains unclear.